The following is an entry in ClinVar:

ClinVar aggregate classification (germline): Benign/Likely benign. Review status: criteria provided, multiple submitters, no conflicts (2 of 4 stars). 2 submissions from 2 submitters: Benign (1); Likely benign (1). Last evaluated 2025-02-19.

Conditions:
Breast-ovarian cancer, familial, susceptibility to, 4. Identifiers: Orphanet 145, MedGen C3280345, MONDO:0013669, OMIM 614291.

Submissions (2):

Myriad Genetics, Inc.
Classification: Benign for Breast-ovarian cancer, familial, susceptibility to, 4. Last evaluated: 2025-02-19. Review status: criteria provided, single submitter. Criteria: Myriad Autosomal Dominant, Autosomal Recessive and X-Linked Classification Criteria (2023). Collection method: clinical testing. Allele origin: unknown.
Comment: This variant is considered benign. This variant is a silent/synonymous amino acid change and it is not expected to impact splicing.

Labcorp Genetics (formerly Invitae), Labcorp
Classification: Likely benign for Breast-ovarian cancer, familial, susceptibility to, 4. Last evaluated: 2017-12-27. Review status: criteria provided, single submitter. Criteria: Invitae Variant Classification Sherloc (09022015). Collection method: clinical testing. Allele origin: germline.

NM_002878.4(RAD51D):c.6C>A (p.Gly2=)

Genes: RAD51L3-RFFL (RAD51L3-RFFL readthrough; minus strand), RAD51D (RAD51 paralog D; minus strand). Cytogenetic location: 17q12.
Variant type: single nucleotide variant.
Coding change: c.6C>A on transcript NM_002878.4 (MANE Select); coding-DNA position 6, C replaced by A.
Protein change: p.Gly2=; no amino-acid change (glycine 2 retained).
Molecular consequence: synonymous variant. On other transcripts: non-coding transcript variant (2).
Genome position (GRCh38, 1-based): chr17:35,119,608, G>T on the plus strand (C>A on the coding strand, the complement: RAD51D is on the minus strand). VCF-style: chr17-35119608-G-T. GRCh37 (hg19) VCF-style: chr17-33446627-G-T.
Other names: c.6C>A, p.Gly2= (NM_001142571.2, NM_133629.3).
Identifiers: ClinVar variation 539865 (VCV000539865.9), dbSNP rs1255954226, ClinGen allele CA499732558.